The following is an entry in ClinVar:

NM_014679.5(CEP57):c.1108G>A (p.Glu370Lys)

Gene: CEP57 (centrosomal protein 57; plus strand). Cytogenetic location: 11q21.
Variant type: single nucleotide variant.
Coding change: c.1108G>A on transcript NM_014679.5 (MANE Select); coding-DNA position 1108, G replaced by A.
Protein change: p.Glu370Lys; replaces glutamic acid 370 with lysine.
Molecular consequence: missense variant.
Genome position (GRCh38, 1-based): chr11:95,828,008, G>A. VCF-style: chr11-95828008-G-A. GRCh37 (hg19) VCF-style: chr11-95561172-G-A.
Other names: c.1081G>A, p.Glu361Lys (NM_001243776.2); c.1030G>A, p.Glu344Lys (NM_001243777.2); c.1027G>A, p.Glu343Lys (NM_001363604.2); short protein forms E361K, E343K, E344K, E370K.
Identifiers: ClinVar variation 3674372 (VCV003674372.2).

ClinVar aggregate classification (germline): Uncertain significance (1 of 4 stars; one submission).

Conditions:
Mosaic variegated aneuploidy syndrome 2 (MVA2). Identifiers: Orphanet 1052, MedGen C3279843, MONDO:0013582, OMIM 614114.

Submission:

Labcorp Genetics (formerly Invitae), Labcorp
Classification: Uncertain significance for Mosaic variegated aneuploidy syndrome 2. Last evaluated: 2024-03-14. Review status: criteria provided, single submitter. Criteria: Invitae Variant Classification Sherloc (09022015). Collection method: clinical testing. Allele origin: germline.
Comment: This sequence change replaces glutamic acid, which is acidic and polar, with lysine, which is basic and polar, at codon 370 of the CEP57 protein (p.Glu370Lys). This variant is not present in population databases (gnomAD no frequency). This variant has not been reported in the literature in individuals affected with CEP57-related conditions. Advanced modeling of protein sequence and biophysical properties (such as structural, functional, and spatial information, amino acid conservation, physicochemical variation, residue mobility, and thermodynamic stability) performed at Invitae indicates that this missense variant is expected to disrupt CEP57 protein function with a positive predictive value of 80%. In summary, the available evidence is currently insufficient to determine the role of this variant in disease. Therefore, it has been classified as a Variant of Uncertain Significance.